The following is an entry in ClinVar:

NM_000059.4(BRCA2):c.5949A>G (p.Gly1983=)

Gene: BRCA2 (BRCA2 DNA repair associated; plus strand). Cytogenetic location: 13q13.1.
Variant type: single nucleotide variant.
Coding change: c.5949A>G on transcript NM_000059.4 (MANE Select); coding-DNA position 5949, A replaced by G.
Protein change: p.Gly1983=; no amino-acid change (glycine 1983 retained).
Molecular consequence: synonymous variant.
Genome position (GRCh38, 1-based): chr13:32,340,304, A>G. VCF-style: chr13-32340304-A-G. GRCh37 (hg19) VCF-style: chr13-32914441-A-G.
Identifiers: ClinVar variation 427395 (VCV000427395.3), dbSNP rs1131692122, ClinGen allele CA483438930.

ClinVar aggregate classification (germline): Likely benign (3 of 4 stars; one submission).

Conditions:
Breast-ovarian cancer, familial, susceptibility to, 2 (BROVCA2). Also called: BRCA2 Hereditary Breast and Ovarian Cancer. Identifiers: Orphanet 145, MedGen C2675520, MONDO:0012933, OMIM 612555. Disease mechanism: loss of function.

Submission:

Evidence-based Network for the Interpretation of Germline Mutant Alleles (ENIGMA)
Classification: Likely benign for Breast-ovarian cancer, familial, susceptibility to, 2. Last evaluated: 2017-06-29. Review status: reviewed by expert panel. Criteria: ENIGMA BRCA1/2 Classification Criteria (2017-06-29). Collection method: curation. Allele origin: germline.
Comment: Synonymous substitution variant, with low bioinformatic likelihood to result in a splicing aberration (Splicing prior probability 0.02).